The following is an entry in ClinVar:

NM_000038.6(APC):c.2373_2374del (p.His791fs)

Gene: APC (APC regulator of Wnt signaling pathway; plus strand). Cytogenetic location: 5q22.2.
Variant type: Microsatellite.
Coding change: c.2373_2374del on transcript NM_000038.6 (MANE Select); coding-DNA positions 2373 to 2374, 2 bases deleted (CA; older notation c.2373_2374delCA).
Protein change: p.His791fs; shifts the reading frame from histidine 791.
Molecular consequence: frameshift variant. On other transcripts: non-coding transcript variant (2).
Genome position (GRCh38, 1-based): chr5:112,837,967-112,837,968, CA deleted; deleting any 2 consecutive bases within chr5:112,837,964-112,837,968 gives the same sequence; the c. name uses the placement nearest the transcript's 3' end. VCF-style (leftmost placement, unchanged base first): chr5-112837963-GAC-G. GRCh37 (hg19) VCF-style: chr5-112173660-GAC-G.
Other names: c.2373_2374del, p.His791fs (NM_001127510.3, NM_001354895.2, NM_001407450.1); c.2319_2320del, p.His773fs (NM_001127511.3); c.2427_2428del, p.His809fs (NM_001354896.2, NM_001407447.1, NM_001407448.1 and 1 more transcripts); c.2403_2404del, p.His801fs (NM_001354897.2); c.2298_2299del, p.His766fs (NM_001354898.2); c.2289_2290del, p.His763fs (NM_001354899.2); c.2250_2251del, p.His750fs (NM_001354900.2); c.2196_2197del, p.His732fs (NM_001354901.2, NM_001407453.1); and 11 more; short protein forms H407fs, H662fs, H781fs, H809fs, H700fs, H708fs, H732fs, H773fs.
Identifiers: ClinVar variation 2447194 (VCV002447194.5), dbSNP rs2533416189, ClinGen allele CA658760726.

ClinVar aggregate classification (germline): Pathogenic. Review status: criteria provided, multiple submitters, no conflicts (2 of 4 stars). 3 submissions from 3 submitters: Pathogenic (3). Last evaluated 2023-08-08.

Conditions:
Hereditary cancer-predisposing syndrome. Also called: Neoplastic Syndromes, Hereditary; Hereditary Cancer Syndrome; Tumor predisposition; Hereditary neoplastic syndrome. Identifiers: Orphanet 140162, MedGen C0027672, MeSH D009386, MONDO:0015356.
Classic or attenuated familial adenomatous polyposis. Identifiers: MedGen CN372698, MONDO:0021057.

Submissions (3):

All of Us Research Program, National Institutes of Health
Classification: Pathogenic for Classic or attenuated familial adenomatous polyposis. Last evaluated: 2023-08-08. Review status: criteria provided, single submitter. Criteria: ACMG Guidelines, 2015. Collection method: clinical testing. Allele origin: germline. Inheritance: Autosomal dominant inheritance. Observed: 1 variant allele, 1 heterozygote.
Comment: This variant deletes 2 nucleotides in exon 16 of the APC gene, creating a frameshift and premature translation stop signal. This variant is predicted to escape nonsense-mediated decay and be expressed as a truncated protein. Although functional studies have not been reported, this variant is expected to disrupt the beta-catenin binding, SAMP-repeats, basic domain, EB1 binding, and HDLG binding (PMID: 23185543, 21858148). This variant has been reported in individuals affected with familial adenomatous polyposis (PMID: 20223039). This variant has not been identified in the general population by the Genome Aggregation Database (gnomAD). Loss of APC function is a known mechanism of disease. Based on the available evidence, this variant is classified as Pathogenic.

This study involves interpretation of variants in research participants for the purpose of population health screening. Participant phenotype was not available at the time of variant classification. Additional details can be found in publication PMID: 35346344, PMCID: PMC8962531

Color Diagnostics, LLC DBA Color Health
Classification: Pathogenic for Hereditary cancer-predisposing syndrome. Last evaluated: 2023-06-07. Review status: criteria provided, single submitter. Criteria: ACMG Guidelines, 2015. Collection method: clinical testing. Allele origin: germline.
Comment: This variant deletes 2 nucleotides in exon 16 of the APC gene, creating a frameshift and premature translation stop signal. This variant is predicted to escape nonsense-mediated decay and be expressed as a truncated protein. Although functional studies have not been reported, this variant is expected to disrupt the beta-catenin binding, SAMP-repeats, basic domain, EB1 binding, and HDLG binding (PMID: 23185543, 21858148). This variant has been reported in individuals affected with familial adenomatous polyposis (PMID: 20223039). This variant has not been identified in the general population by the Genome Aggregation Database (gnomAD). Loss of APC function is a known mechanism of disease. Based on the available evidence, this variant is classified as Pathogenic.

Ambry Genetics
Classification: Pathogenic for Hereditary cancer-predisposing syndrome. Last evaluated: 2023-02-07. Review status: criteria provided, single submitter. Criteria: Ambry Variant Classification Scheme 2023. Collection method: clinical testing. Allele origin: germline.
Comment: The c.2373_2374delCA pathogenic mutation, located in coding exon 15 of the APC gene, results from a deletion of two nucleotides at nucleotide positions 2373 to 2374, causing a translational frameshift with a predicted alternate stop codon (p.H791Qfs*7). This alteration occurs at the 3' terminus of the APC gene, is not expected to trigger nonsense-mediated mRNA decay, and impacts the last 72%/ 2053 amino acids of the protein. However, premature stop codons are typically deleterious in nature and the impacted region is critical for protein function (Ambry internal data). This alteration was identified in 2/1164 unrelated German index patients with a clinical diagnosis of FAP or AFAP (Friedl W et al. Hered Cancer Clin Pract. 2005 Sep;3:95-114). This variant is considered to be rare based on population cohorts in the Genome Aggregation Database (gnomAD). Based on the supporting evidence, this alteration is interpreted as a disease-causing mutation.

Literature cited by the submitters: PubMed 20223039 (cited by 3 submitters); PubMed 21858148 (cited by All of Us Research Program, National Institutes of Health and Color Diagnostics, LLC DBA Color Health); PubMed 23185543 (cited by All of Us Research Program, National Institutes of Health and Color Diagnostics, LLC DBA Color Health).